The following is an entry in ClinVar:

NM_001211.6(BUB1B):c.3077C>T (p.Thr1026Ile)

Genes: BUB1B-PAK6 (BUB1B-PAK6 readthrough; plus strand), BUB1B (BUB1 mitotic checkpoint serine/threonine kinase B; plus strand). Cytogenetic location: 15q15.1.
Variant type: single nucleotide variant.
Coding change: c.3077C>T on transcript NM_001211.6 (MANE Select); coding-DNA position 3077, C replaced by T.
Protein change: p.Thr1026Ile; replaces threonine 1026 with isoleucine.
Molecular consequence: missense variant. On other transcripts: intron variant (2).
Genome position (GRCh38, 1-based): chr15:40,220,683, C>T. VCF-style: chr15-40220683-C-T. GRCh37 (hg19) VCF-style: chr15-40512884-C-T.
Other names: c.-201+3016C>T (NM_001128628.3); c.-118+3016C>T (NM_001128629.3); short protein forms T1026I.
Identifiers: ClinVar variation 3826059 (VCV003826059.1).

ClinVar aggregate classification (germline): Uncertain significance (1 of 4 stars; one submission).

Conditions:
Inborn genetic diseases. Identifiers: MedGen C0950123, MeSH D030342.

Submission:

Ambry Genetics
Classification: Uncertain significance for Inborn genetic diseases. Last evaluated: 2025-01-05. Review status: criteria provided, single submitter. Criteria: Ambry Variant Classification Scheme 2023. Collection method: clinical testing. Allele origin: germline.
Comment: The p.T1026I variant (also known as c.3077C>T), located in coding exon 23 of the BUB1B gene, results from a C to T substitution at nucleotide position 3077. The threonine at codon 1026 is replaced by isoleucine, an amino acid with similar properties. This amino acid position is conserved. In addition, this alteration is predicted to be tolerated by in silico analysis. Based on the available evidence, the clinical significance of this variant remains unclear.